The following is an entry in ClinVar:

ClinVar aggregate classification (germline): Conflicting classifications of pathogenicity. Review status: criteria provided, conflicting classifications (1 of 4 stars). 3 submissions from 3 submitters: Uncertain significance (2); Likely benign (1). Last evaluated 2026-03-30.

Conditions:
Dilated cardiomyopathy 1HH (CMD1HH). Identifiers: Orphanet 154, MedGen C3151293, MONDO:0013479, OMIM 613881.
Myofibrillar myopathy 6. Identifiers: Orphanet 199340, MedGen C2751831, MONDO:0013061, OMIM 612954.
Cardiovascular phenotype. Identifiers: MedGen CN230736.

Allele frequency attached by ClinVar (database versions not stated): gnomAD 0.00001; gnomAD exomes below 0.00001 and 0.00002; TOPMed 0.00001.
gnomAD v4.1: 6 of 1,614,018 alleles (0.00037%); highest among the groups gnomAD compares: African/African-American, 0.0067%; no homozygotes.

Submissions (3):

Ambry Genetics
Classification: Uncertain significance for Cardiovascular phenotype. Last evaluated: 2026-03-30. Review status: criteria provided, single submitter. Criteria: Ambry Variant Classification Scheme 2023. Collection method: clinical testing. Allele origin: germline.
Comment: The p.P384S variant (also known as c.1150C>T), located in coding exon 4 of the BAG3 gene, results from a C to T substitution at nucleotide position 1150. The proline at codon 384 is replaced by serine, an amino acid with similar properties. This amino acid position is conserved. In addition, the in silico prediction for this alteration is inconclusive. Based on the available evidence, the clinical significance of this variant remains unclear.

Labcorp Genetics (formerly Invitae), Labcorp
Classification: Likely benign for Dilated cardiomyopathy 1HH; Myofibrillar myopathy 6. Last evaluated: 2025-06-04. Review status: criteria provided, single submitter. Criteria: Invitae Variant Classification Sherloc (09022015). Collection method: clinical testing. Allele origin: germline.

Mayo Clinic Laboratories, Mayo Clinic
Classification: Uncertain significance. Last evaluated: 2021-07-23. Review status: criteria provided, single submitter. Criteria: ACMG Guidelines, 2015. Collection method: clinical testing. Allele origin: germline.

NM_004281.4(BAG3):c.1150C>T (p.Pro384Ser)

Gene: BAG3 (BAG cochaperone 3; plus strand). Cytogenetic location: 10q26.11.
Variant type: single nucleotide variant.
Coding change: c.1150C>T on transcript NM_004281.4 (MANE Select); coding-DNA position 1150, C replaced by T.
Protein change: p.Pro384Ser; replaces proline 384 with serine.
Molecular consequence: missense variant.
Genome position (GRCh38, 1-based): chr10:119,676,704, C>T. VCF-style: chr10-119676704-C-T. GRCh37 (hg19) VCF-style: chr10-121436216-C-T.
Other names: p.Pro384Ser; short protein forms P384S.
Identifiers: ClinVar variation 1694045 (VCV001694045.8), dbSNP rs1286082290, ClinGen allele CA378296728.
Genomic context (GRCh38, chr10:119,676,704, plus strand): 5'-GTGAAAGTTCCCCCTGCTCCAGTTCCTTGTCCTCCTCCCAGCCCTGGCCCTTCTGCTGTC[C>T]CCTCTTCCCCCAAGAGTGTGGCTACAGAAGAGAGGGCAGCCCCCAGCACTGCCCCTGCAG-3'
Protein context (NP_004272.2, residues 374-394): PPPSPGPSAV[Pro384Ser]SSPKSVATEE